The following is an entry in ClinVar:

ClinVar aggregate classification (germline): Uncertain significance (1 of 4 stars; one submission).

Conditions:
Leber congenital amaurosis 8 (LCA8). Identifiers: Orphanet 65, MedGen C3151202, MONDO:0013453, OMIM 613835.
Retinitis pigmentosa 12 (RP12). Also called: RP WITH OR WITHOUT PRESERVED PARAARTERIOLE RETINAL PIGMENT EPITHELIUM; RETINITIS PIGMENTOSA WITH OR WITHOUT PARAARTERIOLAR PRESERVATION OF RETINAL PIGMENT EPITHELIUM; RP WITH OR WITHOUT PPRPE. Identifiers: Orphanet 791, MedGen C1838647, MONDO:0010818, OMIM 600105.

Allele frequency attached by ClinVar (database versions not stated): gnomAD exomes 0.00001.
gnomAD v4.1: 5 of 1,614,206 alleles (0.00031%); highest among the groups gnomAD compares: Non-Finnish European, 0.00042%; no homozygotes.

Submission:

Labcorp Genetics (formerly Invitae), Labcorp
Classification: Uncertain significance for Leber congenital amaurosis 8; Retinitis pigmentosa 12. Last evaluated: 2024-05-06. Review status: criteria provided, single submitter. Criteria: Invitae Variant Classification Sherloc (09022015). Collection method: clinical testing. Allele origin: germline.
Comment: This sequence change replaces serine, which is neutral and polar, with alanine, which is neutral and non-polar, at codon 604 of the CRB1 protein (p.Ser604Ala). This variant is not present in population databases (gnomAD no frequency). This variant has not been reported in the literature in individuals affected with CRB1-related conditions. ClinVar contains an entry for this variant (Variation ID: 967614). Advanced modeling of protein sequence and biophysical properties (such as structural, functional, and spatial information, amino acid conservation, physicochemical variation, residue mobility, and thermodynamic stability) has been performed at Invitae for this missense variant, however the output from this modeling did not meet the statistical confidence thresholds required to predict the impact of this variant on CRB1 protein function. In summary, the available evidence is currently insufficient to determine the role of this variant in disease. Therefore, it has been classified as a Variant of Uncertain Significance.

NM_201253.3(CRB1):c.1810T>G (p.Ser604Ala)

Gene: CRB1 (crumbs cell polarity complex component 1; plus strand). Cytogenetic location: 1q31.3.
Variant type: single nucleotide variant.
Coding change: c.1810T>G on transcript NM_201253.3 (MANE Select); coding-DNA position 1810, T replaced by G.
Protein change: p.Ser604Ala; replaces serine 604 with alanine.
Molecular consequence: missense variant. On other transcripts: non-coding transcript variant (1).
Genome position (GRCh38, 1-based): chr1:197,421,638, T>G. VCF-style: chr1-197421638-T-G. GRCh37 (hg19) VCF-style: chr1-197390768-T-G.
Other names: c.1474T>G, p.Ser492Ala (NM_001193640.2); c.1603T>G, p.Ser535Ala (NM_001257965.2); c.1810T>G, p.Ser604Ala (NM_001257966.2); short protein forms S492A, S535A, S604A.
Identifiers: ClinVar variation 967614 (VCV000967614.8), dbSNP rs1664329175, ClinGen allele CA344032665.
Genomic context (GRCh38, chr1:197,421,638, plus strand): 5'-GACGACTCCTGTAAGGAGAAATGCATCGCGAAAGCTCCTACTCCACTTGAAAGTGATCAA[T>G]CAATATGTGCTTTTCAGAACTCCTTTTTGGGTGGTTTACCAGTGGGAATGACCAGCAATG-3'
Protein context (NP_957705.1, residues 594-614): KAPTPLESDQ[Ser604Ala]ICAFQNSFLG